The following is an entry in ClinVar:

NM_001999.4(FBN2):c.1720A>G (p.Ile574Val)

Gene: FBN2 (fibrillin 2; minus strand). Cytogenetic location: 5q23.3.
Variant type: single nucleotide variant.
Coding change: c.1720A>G on transcript NM_001999.4 (MANE Select); coding-DNA position 1720, A replaced by G.
Protein change: p.Ile574Val; replaces isoleucine 574 with valine.
Molecular consequence: missense variant.
Genome position (GRCh38, 1-based): chr5:128,378,774, T>C on the plus strand (A>G on the coding strand, the complement: FBN2 is on the minus strand). VCF-style: chr5-128378774-T-C. GRCh37 (hg19) VCF-style: chr5-127714467-T-C.
Other names: short protein forms I574V.
Identifiers: ClinVar variation 263857 (VCV000263857.21), dbSNP rs768073096, ClinGen allele CA3395739.
Genomic context (GRCh38, chr5:128,378,774, plus strand): 5'-AGCCTTGGTCACTATATTTCATGGAACATTTTCATATGTGAAAGCAAACTGCCTTACCAA[T>C]GCATGCTTGCTTGGTAGGAGTCCTCTGGAATCCAGCATGACATTTACAATAATAGGAACC-3'
Protein context (NP_001990.2, residues 564-584): FQRTPTKQAC[Ile574Val]DIDECIQNGV

ClinVar aggregate classification (germline): Conflicting classifications of pathogenicity. Review status: criteria provided, conflicting classifications (1 of 4 stars). 5 submissions from 5 submitters: Uncertain significance (3); Benign (1); Likely benign (1). Last evaluated 2025-08-03.

Conditions:
Congenital contractural arachnodactyly (CCA). Also called: BEALS SYNDROME; Arthrogryposis, distal, type 9; Beals-Hecht syndrome. Identifiers: Orphanet 115, MedGen C0220668, MONDO:0007363, OMIM 121050.
Macular degeneration, early-onset (EOMD). Identifiers: MedGen C4015286, MONDO:0014501, OMIM 616118.
Familial thoracic aortic aneurysm and aortic dissection (TAAD). Also called: Thoracic aortic aneurysms and dissections. Identifiers: Orphanet 91387, MedGen C4707243, MONDO:0019625.

Allele frequency attached by ClinVar (database versions not stated): ExAC 0.00002; gnomAD exomes 0.00002 and 0.00003; gnomAD 0.00004 and 0.00005; TOPMed 0.00007.
gnomAD v4.1: 32 of 1,612,830 alleles (0.002%); highest among the groups gnomAD compares: Middle Eastern, 0.066%; 1 homozygote.

Submissions (5):

Labcorp Genetics (formerly Invitae), Labcorp
Classification: Benign for Congenital contractural arachnodactyly. Last evaluated: 2025-08-03. Review status: criteria provided, single submitter. Criteria: Invitae Variant Classification Sherloc (09022015). Collection method: clinical testing. Allele origin: germline.

Ambry Genetics
Classification: Uncertain significance for Familial thoracic aortic aneurysm and aortic dissection. Last evaluated: 2025-03-11. Review status: criteria provided, single submitter. Criteria: Ambry Variant Classification Scheme 2023. Collection method: clinical testing. Allele origin: germline.
Comment: The p.I574V variant (also known as c.1720A>G), located in coding exon 12 of the FBN2 gene, results from an A to G substitution at nucleotide position 1720. The isoleucine at codon 574 is replaced by valine, an amino acid with highly similar properties. This amino acid position is well conserved in available vertebrate species. In addition, the in silico prediction for this alteration is inconclusive. Since supporting evidence is limited at this time, the clinical significance of this alteration remains unclear.

Blueprint Genetics
Classification: Likely benign. Last evaluated: 2024-11-24. Review status: criteria provided, single submitter. Criteria: ACMG Guidelines, 2015. Collection method: clinical testing. Allele origin: germline.

Fulgent Genetics
Classification: Uncertain significance for Congenital contractural arachnodactyly; Macular degeneration, early-onset. Last evaluated: 2021-11-03. Review status: criteria provided, single submitter. Criteria: ACMG Guidelines, 2015. Collection method: clinical testing. Allele origin: unknown.

Breakthrough Genomics
Classification: Uncertain significance. Review status: criteria provided, single submitter. Criteria: ACMG Guidelines, 2015. Collection method: not provided. Allele origin: germline. Inheritance: Autosomal dominant inheritance. Affected: yes.